The following is an entry in ClinVar:

NC_000016.9:g.(?_89809198)_(89842233_?)del

Gene: FANCA (FA complementation group A; minus strand). Cytogenetic location: 16q24.3.
Variant type: Deletion.
Identifiers: ClinVar variation 1459280 (VCV001459280.5).

ClinVar aggregate classification (germline): Pathogenic (1 of 4 stars; one submission).

Conditions:
Fanconi anemia (FA). Also called: Fanconi's anemia. Identifiers: Orphanet 84, MedGen C0015625, MeSH D005199, MONDO:0019391.

Submission:

Labcorp Genetics (formerly Invitae), Labcorp
Classification: Pathogenic for Fanconi anemia. Last evaluated: 2022-04-14. Review status: criteria provided, single submitter. Criteria: Invitae Variant Classification Sherloc (09022015). Collection method: clinical testing. Allele origin: germline.
Comment: This variant is a gross deletion of the genomic region encompassing exon(s) 21-37 of the FANCA gene. This deletion is out-of-frame, and is expected to create a premature termination codon and result in an absent or disrupted protein product. Loss-of-function variants in FANCA are known to be pathogenic (PMID: 19367192). This variant has not been reported in the literature in individuals affected with FANCA-related conditions. For these reasons, this variant has been classified as Pathogenic.

Literature cited by the submitters: PubMed 19367192.